The following is an entry in ClinVar:

NM_000256.3(MYBPC3):c.1616T>C (p.Ile539Thr)

Gene: MYBPC3 (myosin binding protein C3; minus strand). Cytogenetic location: 11p11.2.
Variant type: single nucleotide variant.
Coding change: c.1616T>C on transcript NM_000256.3 (MANE Select); coding-DNA position 1616, T replaced by C.
Protein change: p.Ile539Thr; replaces isoleucine 539 with threonine.
Molecular consequence: missense variant.
Genome position (GRCh38, 1-based): chr11:47,342,586, A>G on the plus strand (T>C on the coding strand, the complement: MYBPC3 is on the minus strand). VCF-style: chr11-47342586-A-G. GRCh37 (hg19) VCF-style: chr11-47364137-A-G.
Other names: short protein forms I539T.
Identifiers: ClinVar variation 863952 (VCV000863952.13), dbSNP rs1158024707, ClinGen allele CA380324997.

ClinVar aggregate classification (germline): Uncertain significance. Review status: criteria provided, multiple submitters, no conflicts (2 of 4 stars). 4 submissions from 4 submitters: Uncertain significance (4). Last evaluated 2024-10-16.

Conditions:
Hypertrophic cardiomyopathy. Also called: HYPERTROPHIC MYOCARDIOPATHY. Identifiers: Orphanet 217569, MedGen C0007194, MeSH D002312, MONDO:0005045, HP:0001639.
Cardiovascular phenotype. Identifiers: MedGen CN230736.

Allele frequency attached by ClinVar (database versions not stated): gnomAD exomes below 0.00001; TOPMed below 0.00001; gnomAD 0.00002.
gnomAD v4.1: 4 of 1,601,518 alleles (0.00025%); highest among the groups gnomAD compares: African/African-American, 0.0053%; no homozygotes.

Submissions (4):

Labcorp Genetics (formerly Invitae), Labcorp
Classification: Uncertain significance for Hypertrophic cardiomyopathy. Last evaluated: 2024-10-16. Review status: criteria provided, single submitter. Criteria: Invitae Variant Classification Sherloc (09022015). Collection method: clinical testing. Allele origin: germline.
Comment: This sequence change replaces isoleucine, which is neutral and non-polar, with threonine, which is neutral and polar, at codon 539 of the MYBPC3 protein (p.Ile539Thr). The frequency data for this variant in the population databases is considered unreliable, as metrics indicate poor data quality at this position in the gnomAD database. This variant has not been reported in the literature in individuals affected with MYBPC3-related conditions. ClinVar contains an entry for this variant (Variation ID: 863952). An algorithm developed to predict the effect of missense changes on protein structure and function (PolyPhen-2) suggests that this variant is likely to be tolerated. In summary, the available evidence is currently insufficient to determine the role of this variant in disease. Therefore, it has been classified as a Variant of Uncertain Significance.

All of Us Research Program, National Institutes of Health
Classification: Uncertain significance for Hypertrophic cardiomyopathy. Last evaluated: 2023-12-18. Review status: criteria provided, single submitter. Criteria: ACMG Guidelines, 2015. Collection method: clinical testing. Allele origin: germline. Inheritance: Autosomal dominant inheritance. Observed: 1 variant allele, 1 heterozygote.
Comment: This missense variant replaces isoleucine with threonine at codon 539 of the MYBPC3 protein. Computational prediction suggests that this variant may not impact protein structure and function (internally defined REVEL score threshold <= 0.5, PMID: 27666373). To our knowledge, functional studies have not been reported for this variant. This variant has not been reported in individuals affected with MYBPC3-related disorders in the literature. This variant has been identified in 1/237970 chromosomes in the general population by the Genome Aggregation Database (gnomAD). The available evidence is insufficient to determine the role of this variant in disease conclusively. Therefore, this variant is classified as a Variant of Uncertain Significance.

This study involves interpretation of variants in research participants for the purpose of population health screening. Participant phenotype was not available at the time of variant classification. Additional details can be found in publication PMID: 35346344, PMCID: PMC8962531

Ambry Genetics
Classification: Uncertain significance for Cardiovascular phenotype. Last evaluated: 2021-02-08. Review status: criteria provided, single submitter. Criteria: Ambry Variant Classification Scheme 2023. Collection method: clinical testing. Allele origin: germline.
Comment: The p.I539T variant (also known as c.1616T>C), located in coding exon 17 of the MYBPC3 gene, results from a T to C substitution at nucleotide position 1616. The isoleucine at codon 539 is replaced by threonine, an amino acid with similar properties. This amino acid position is not well conserved in available vertebrate species. In addition, this alteration is predicted to be tolerated by in silico analysis. Since supporting evidence is limited at this time, the clinical significance of this alteration remains unclear.

GeneDx
Classification: Uncertain significance. Last evaluated: 2019-08-13. Review status: criteria provided, single submitter. Criteria: GeneDx Variant Classification Process June 2021. Collection method: clinical testing. Allele origin: germline. Affected: yes.
Comment: Not observed at a significant frequency in large population cohorts (Lek et al., 2016); In silico analysis, which includes protein predictors and evolutionary conservation, supports that this variant does not alter protein structure/function; Has not been previously published as pathogenic or benign to our knowledge